The following is an entry in ClinVar:

NM_145290.4(ADGRA3):c.2965G>C (p.Glu989Gln)

Gene: ADGRA3 (adhesion G protein-coupled receptor A3; minus strand). Cytogenetic location: 4p15.2.
Variant type: single nucleotide variant.
Coding change: c.2965G>C on transcript NM_145290.4 (MANE Select); coding-DNA position 2965, G replaced by C.
Protein change: p.Glu989Gln; replaces glutamic acid 989 with glutamine.
Molecular consequence: missense variant.
Genome position (GRCh38, 1-based): chr4:22,388,706, C>G on the plus strand (G>C on the coding strand, the complement: ADGRA3 is on the minus strand). VCF-style: chr4-22388706-C-G. GRCh37 (hg19) VCF-style: chr4-22390329-C-G.
Other names: short protein forms E989Q.
Identifiers: ClinVar variation 1034795 (VCV001034795.6), dbSNP rs763188344, ClinGen allele CA2873473.

ClinVar aggregate classification (germline): Uncertain significance (1 of 4 stars; one submission).

Allele frequency attached by ClinVar (database versions not stated): gnomAD exomes below 0.00001; ExAC 0.00001; TOPMed 0.00001.
gnomAD v4.1: 12 of 1,614,056 alleles (0.00074%); highest among the groups gnomAD compares: Non-Finnish European, 0.001%; no homozygotes.

Submission:

Labcorp Genetics (formerly Invitae), Labcorp
Classification: Uncertain significance. Last evaluated: 2024-02-17. Review status: criteria provided, single submitter. Criteria: Invitae Variant Classification Sherloc (09022015). Collection method: clinical testing. Allele origin: germline.
Comment: This sequence change replaces glutamic acid, which is acidic and polar, with glutamine, which is neutral and polar, at codon 989 of the ADGRA3 protein (p.Glu989Gln). This variant is present in population databases (rs763188344, gnomAD 0.0009%). This variant has not been reported in the literature in individuals affected with ADGRA3-related conditions. ClinVar contains an entry for this variant (Variation ID: 1034795). An algorithm developed to predict the effect of missense changes on protein structure and function (PolyPhen-2) suggests that this variant is likely to be disruptive. In summary, the available evidence is currently insufficient to determine the role of this variant in disease. Therefore, it has been classified as a Variant of Uncertain Significance.